The following is an entry in ClinVar:

ClinVar aggregate classification (germline): Uncertain significance (1 of 4 stars; one submission).

Conditions:
Inborn genetic diseases. Identifiers: MedGen C0950123, MeSH D030342.

Submission:

Ambry Genetics
Classification: Uncertain significance for Inborn genetic diseases. Last evaluated: 2025-01-17. Review status: criteria provided, single submitter. Criteria: Ambry Variant Classification Scheme 2023. Collection method: clinical testing. Allele origin: germline.
Comment: The p.N1256D variant (also known as c.3766A>G), located in coding exon 13 of the ASXL1 gene, results from an A to G substitution at nucleotide position 3766. The asparagine at codon 1256 is replaced by aspartic acid, an amino acid with highly similar properties. This amino acid position is conserved. In addition, this alteration is predicted to be tolerated by in silico analysis. Based on the available evidence, the clinical significance of this variant remains unclear.

NM_015338.6(ASXL1):c.3766A>G (p.Asn1256Asp)

Gene: ASXL1 (ASXL transcriptional regulator 1; plus strand). Cytogenetic location: 20q11.21.
Variant type: single nucleotide variant.
Coding change: c.3766A>G on transcript NM_015338.6 (MANE Select); coding-DNA position 3766, A replaced by G.
Protein change: p.Asn1256Asp; replaces asparagine 1256 with aspartic acid.
Molecular consequence: missense variant.
Genome position (GRCh38, 1-based): chr20:32,436,478, A>G. VCF-style: chr20-32436478-A-G. GRCh37 (hg19) VCF-style: chr20-31024281-A-G.
Other names: c.3583A>G, p.Asn1195Asp (NM_001363734.1); short protein forms N1256D, N1195D.
Identifiers: ClinVar variation 3319378 (VCV003319378.2).